The following is an entry in ClinVar:

Single allele

Genes: DYRK1A (dual specificity tyrosine phosphorylation regulated kinase 1A; plus strand), LOC130066654 (ATAC-STARR-seq lymphoblastoid silent region 13307; plus strand). Cytogenetic location: 21q22.13.
Variant type: Deletion.
Identifiers: ClinVar variation 4857187 (VCV004857187.1).

ClinVar aggregate classification (germline): Likely pathogenic (1 of 4 stars; one submission).

Conditions:
DYRK1A-related intellectual disability syndrome (MRD7). Also called: DYRK1A Syndrome; Intellectual developmental disorder, autosomal dominant 7. Identifiers: Orphanet 464306, MedGen C5568143, MONDO:0013578, OMIM 614104.

Submission:

Undiagnosed Diseases Network, NIH
Classification: Likely pathogenic for DYRK1A-related intellectual disability syndrome. Last evaluated: 2026-04-30. Review status: criteria provided, single submitter. Criteria: ACMG Guidelines, 2015. Collection method: clinical testing. Allele origin: unknown. Affected: yes. Observed: 1 variant allele, 1 heterozygote. Study: Undiagnosed Diseases Network (NIH), UDN.
Comment: This 42.29 kb copy number loss encompasses exons 3 and 4 of the DYRK1A gene (12 total exons in NM_001347721.2). Similar deletions have not been described in ClinVar, DECIPHER, or the literature. Similar deletions have not been observed in the gnomAD v4 (non-UKB) dataset. This exon 3 and 4 deletion in the DYRK1A gene is predicted to result in out-of-frame changes and cause nonsense-mediated decay (NMD) in a gene where haploinsufficiency is a known mechanism of disease (ClinGen Dosage ID: ISCA-36235).